The following is an entry in ClinVar:

ClinVar aggregate classification (germline): Benign. Review status: criteria provided, multiple submitters, no conflicts (2 of 4 stars). 2 submissions from 2 submitters: Benign (2). Last evaluated 2021-05-04.

Allele frequency attached by ClinVar (database versions not stated): 1000 Genomes Project 30x 0.61227; 1000 Genomes Project 0.61681; TOPMed 0.69840; gnomAD 0.71807 and 0.71930; ESP Exome Variant Server 0.73505; gnomAD exomes 0.74618 and 0.82181; ExAC 0.75117.
gnomAD v4.1: 1,307,115 of 1,611,770 alleles (81%); highest among the groups gnomAD compares: Non-Finnish European, 86%; 539,767 homozygotes.

Submissions (2):

GeneDx
Classification: Benign. Last evaluated: 2021-05-04. Review status: criteria provided, single submitter. Criteria: GeneDx Variant Classification Process June 2021. Collection method: clinical testing. Allele origin: germline. Affected: yes.
Comment: This variant is associated with the following publications: (PMID: 20333729, 15861775)

Breakthrough Genomics
Classification: Benign. Review status: criteria provided, single submitter. Criteria: ACMG Guidelines, 2015. Collection method: not provided. Allele origin: germline. Inheritance: Unknown mechanism. Affected: yes.

NM_001670.3(ARVCF):c.2717G>A (p.Arg906Gln)

Gene: ARVCF (ARVCF delta catenin family member; minus strand). Cytogenetic location: 22q11.21.
Variant type: single nucleotide variant.
Coding change: c.2717G>A on transcript NM_001670.3 (MANE Select); coding-DNA position 2717, G replaced by A.
Protein change: p.Arg906Gln; replaces arginine 906 with glutamine.
Molecular consequence: missense variant.
Genome position (GRCh38, 1-based): chr22:19,971,950, C>T on the plus strand (G>A on the coding strand, the complement: ARVCF is on the minus strand). VCF-style: chr22-19971950-C-T. GRCh37 (hg19) VCF-style: chr22-19959473-C-T.
Other names: short protein forms R906Q.
Identifiers: ClinVar variation 1234835 (VCV001234835.4), dbSNP rs165815, ClinGen allele CA10104919.